The following is an entry in ClinVar:

ClinVar aggregate classification (germline): Likely pathogenic (1 of 4 stars; one submission).

Conditions:
Autosomal recessive spinocerebellar ataxia 17. Identifiers: Orphanet 453521, MedGen C4015301, MONDO:0014503, OMIM 616127.

Submission:

Variantyx, Inc.
Classification: Likely pathogenic for Autosomal recessive spinocerebellar ataxia 17. Last evaluated: 2025-07-23. Review status: criteria provided, single submitter. Criteria: Variantyx Assertion Criteria 2022. Collection method: clinical testing. Allele origin: germline. Inheritance: Autosomal recessive inheritance. Affected: no.
Comment: This is a nonsense variant in the CWF19L1 gene (OMIM: 616120). Pathogenic variants in this gene have been associated with autosomal recessive spinocerebellar ataxia 17. This variant introduces a premature termination codon in exon 11 out of 14 and is expected to result in loss of function, which is a known disease mechanism for CWF19L1 in this disorder (PMID: 27016154) (PVS1). This variant has a 0.0030% maximum allele frequency in non-founder control populations (PM2). Based on the current evidence, this variant is classified as likely pathogenic for autosomal recessive spinocerebellar ataxia 17.N

Literature cited by the submitters: PubMed 27016154.

NM_018294.6(CWF19L1):c.1195C>T (p.Arg399Ter)

Gene: CWF19L1 (CWF19 like cell cycle control factor 1; minus strand). Cytogenetic location: 10q24.31.
Variant type: single nucleotide variant.
Coding change: c.1195C>T on transcript NM_018294.6 (MANE Select); coding-DNA position 1195, C replaced by T.
Protein change: p.Arg399Ter; replaces arginine 399 with a stop codon.
Molecular consequence: nonsense.
Genome position (GRCh38, 1-based): chr10:100,238,081, G>A on the plus strand (C>T on the coding strand, the complement: CWF19L1 is on the minus strand). VCF-style: chr10-100238081-G-A. GRCh37 (hg19) VCF-style: chr10-101997838-G-A.
Other names: c.1195C>T, p.Arg399Ter (NM_001303404.2); c.784C>T, p.Arg262Ter (NM_001303405.2, NM_001303406.2); c.460C>T, p.Arg154Ter (NM_001303407.2); short protein forms R154*, R262*, R399*.
Identifiers: ClinVar variation 4850213 (VCV004850213.1).